The following is an entry in ClinVar:

NM_001004334.4(GPR179):c.1430G>A (p.Arg477Gln)

Gene: GPR179 (G protein-coupled receptor 179; minus strand). Cytogenetic location: 17q12.
Variant type: single nucleotide variant.
Coding change: c.1430G>A on transcript NM_001004334.4 (MANE Select); coding-DNA position 1430, G replaced by A.
Protein change: p.Arg477Gln; replaces arginine 477 with glutamine.
Molecular consequence: missense variant.
Genome position (GRCh38, 1-based): chr17:38,335,248, C>T on the plus strand (G>A on the coding strand, the complement: GPR179 is on the minus strand). VCF-style: chr17-38335248-C-T. GRCh37 (hg19) VCF-style: chr17-36491131-C-T.
Other names: c.1430G>A (NM_001004334.2); short protein forms R477Q.
Identifiers: ClinVar variation 1059692 (VCV001059692.8), dbSNP rs780660635, ClinGen allele CA290108728.

ClinVar aggregate classification (germline): Uncertain significance. Review status: criteria provided, multiple submitters, no conflicts (2 of 4 stars). 3 submissions from 3 submitters: Uncertain significance (3). Last evaluated 2025-08-22.

Conditions:
Inborn genetic diseases. Identifiers: MedGen C0950123, MeSH D030342.

Allele frequency attached by ClinVar (database versions not stated): gnomAD exomes 0.00007 and 0.00010; gnomAD 0.00008 and 0.00009; TOPMed 0.00010; ExAC 0.00035.
gnomAD v4.1: 158 of 1,551,240 alleles (0.01%); highest among the groups gnomAD compares: South Asian, 0.034%; 1 homozygote.

Submissions (3):

Ambry Genetics
Classification: Uncertain significance for Inborn genetic diseases. Last evaluated: 2025-08-22. Review status: criteria provided, single submitter. Criteria: Ambry Variant Classification Scheme 2023. Collection method: clinical testing. Allele origin: germline.

Labcorp Genetics (formerly Invitae), Labcorp
Classification: Uncertain significance. Last evaluated: 2022-06-20. Review status: criteria provided, single submitter. Criteria: Invitae Variant Classification Sherloc (09022015). Collection method: clinical testing. Allele origin: germline.
Comment: This sequence change replaces arginine, which is basic and polar, with glutamine, which is neutral and polar, at codon 477 of the GPR179 protein (p.Arg477Gln). This variant is present in population databases (rs780660635, gnomAD 0.01%). This variant has not been reported in the literature in individuals affected with GPR179-related conditions. ClinVar contains an entry for this variant (Variation ID: 1059692). Algorithms developed to predict the effect of missense changes on protein structure and function are either unavailable or do not agree on the potential impact of this missense change (SIFT: "Deleterious"; PolyPhen-2: "Probably Damaging"; Align-GVGD: "Class C0"). In summary, the available evidence is currently insufficient to determine the role of this variant in disease. Therefore, it has been classified as a Variant of Uncertain Significance.

Blueprint Genetics
Classification: Uncertain significance. Last evaluated: 2020-08-03. Review status: criteria provided, single submitter. Criteria: ACMG Guidelines, 2015. Collection method: clinical testing. Allele origin: germline.